The following is an entry in ClinVar:

ClinVar aggregate classification (germline): Pathogenic (1 of 4 stars; one submission).

Conditions:
Carpenter syndrome. Identifiers: Orphanet 65759, MedGen C1275078, MONDO:0019012.

Submission:

Labcorp Genetics (formerly Invitae), Labcorp
Classification: Pathogenic for Carpenter syndrome. Last evaluated: 2019-09-25. Review status: criteria provided, single submitter. Criteria: Invitae Variant Classification Sherloc (09022015). Collection method: clinical testing. Allele origin: germline.
Comment: For these reasons, this variant has been classified as Pathogenic. Loss-of-function variants in RAB23 are known to be pathogenic (PMID: 17503333, 21412941). This variant has not been reported in the literature in individuals with RAB23-related conditions. This variant is not present in population databases (ExAC no frequency). This sequence change creates a premature translational stop signal (p.Met6Argfs*5) in the RAB23 gene. It is expected to result in an absent or disrupted protein product.

Literature cited by the submitters: PubMed 17503333; PubMed 21412941.

NM_016277.5(RAB23):c.17del (p.Met6fs)

Gene: RAB23 (RAB23, member RAS oncogene family; minus strand). Cytogenetic location: 6p11.2.
Variant type: Deletion.
Coding change: c.17del on transcript NM_016277.5 (MANE Select); coding-DNA position 17, one base deleted (T; older notation c.17delT).
Protein change: p.Met6fs; shifts the reading frame from methionine 6.
Molecular consequence: frameshift variant. On other transcripts: non-coding transcript variant (1).
Genome position (GRCh38, 1-based): chr6:57,210,364, A deleted on the plus strand (T on the coding strand, the reverse complement: RAB23 is on the minus strand). VCF-style (leftmost placement, unchanged base first): chr6-57210363-CA-C. GRCh37 (hg19) VCF-style: chr6-57075161-CA-C.
Other names: c.17del, p.Met6fs (NM_001278666.2, NM_001278667.2, NM_001278668.2 and 1 more transcripts); short protein forms M6fs.
Identifiers: ClinVar variation 954806 (VCV000954806.7), dbSNP rs1765608519, ClinGen allele CA1139659639.
Genomic context (GRCh38, chr6:57,210,363, plus strand): 5'-AATCATACTTGATTTTCCAACTGCTCCATTCCCTACAACCACCATCTTTATGGCGACTTC[CA>C]TATCTTCCTCCAACATTTTTGGAGCTGAAATGGTTTCTGTACCAACTCTAATTCTAGGAG-3'